The following is an entry in ClinVar:

NM_001042750.2(STAG2):c.3133C>T (p.Arg1045Ter)

Gene: STAG2 (STAG2 cohesin complex component; plus strand). Cytogenetic location: Xq25.
Variant type: single nucleotide variant.
Coding change: c.3133C>T on transcript NM_001042750.2 (MANE Select); coding-DNA position 3133, C replaced by T.
Protein change: p.Arg1045Ter; replaces arginine 1045 with a stop codon.
Molecular consequence: nonsense.
Genome position (GRCh38, 1-based): chrX:124,086,626, C>T. VCF-style: chrX-124086626-C-T. GRCh37 (hg19) VCF-style: chrX-123220476-C-T.
Other names: c.3133C>T, p.Arg1045Ter (NM_001375370.1, NM_001042749.2, NM_001375371.1 and 13 more transcripts); short protein forms R1045*.
Identifiers: ClinVar variation 3650704 (VCV003650704.2).

ClinVar aggregate classification (germline): Pathogenic (1 of 4 stars; one submission).

Submission:

Labcorp Genetics (formerly Invitae), Labcorp
Classification: Pathogenic. Last evaluated: 2024-04-24. Review status: criteria provided, single submitter. Criteria: Invitae Variant Classification Sherloc (09022015). Collection method: clinical testing. Allele origin: germline.
Comment: This sequence change creates a premature translational stop signal (p.Arg1045*) in the STAG2 gene. It is expected to result in an absent or disrupted protein product. Loss-of-function variants in STAG2 are known to be pathogenic (PMID: 28296084). This variant is not present in population databases (gnomAD no frequency). This variant has not been reported in the literature in individuals affected with STAG2-related conditions. For these reasons, this variant has been classified as Pathogenic.

Literature cited by the submitters: PubMed 28296084.